The following is an entry in ClinVar:

ClinVar aggregate classification (germline): Uncertain significance. Review status: criteria provided, multiple submitters, no conflicts (2 of 4 stars). 4 submissions from 3 submitters: Uncertain significance (4). Last evaluated 2025-04-18.

Conditions:
Inborn genetic diseases. Identifiers: MedGen C0950123, MeSH D030342.
Martsolf syndrome (MARTS). Also called: Congenital cataract with intellectual disability and hypogonadotropic hypogonadism syndrome. Identifiers: Orphanet 1387, MedGen C0796037, MONDO:0023910.
Warburg micro syndrome 2 (WARBM2). Also called: MICRO SYNDROME 2. Identifiers: Orphanet 2510, MedGen C3280214, MONDO:0013641, OMIM 614225.

Allele frequency attached by ClinVar (database versions not stated): ExAC 0.00001; gnomAD exomes 0.00002; TOPMed 0.00002; gnomAD 0.00003.
gnomAD v4.1: 38 of 1,613,862 alleles (0.0024%); highest among the groups gnomAD compares: Non-Finnish European, 0.0031%; no homozygotes.

Submissions (4):

Ambry Genetics
Classification: Uncertain significance for Inborn genetic diseases. Last evaluated: 2025-04-18. Review status: criteria provided, single submitter. Criteria: Ambry Variant Classification Scheme 2023. Collection method: clinical testing. Allele origin: germline.

Labcorp Genetics (formerly Invitae), Labcorp
Classification: Uncertain significance for Martsolf syndrome; Warburg micro syndrome 2. Last evaluated: 2022-03-13. Review status: criteria provided, single submitter. Criteria: Invitae Variant Classification Sherloc (09022015). Collection method: clinical testing. Allele origin: germline.
Comment: This variant is present in population databases (rs770787571, gnomAD 0.0009%). This sequence change replaces arginine, which is basic and polar, with lysine, which is basic and polar, at codon 415 of the RAB3GAP2 protein (p.Arg415Lys). This variant has not been reported in the literature in individuals affected with RAB3GAP2-related conditions. In summary, the available evidence is currently insufficient to determine the role of this variant in disease. Therefore, it has been classified as a Variant of Uncertain Significance. Algorithms developed to predict the effect of missense changes on protein structure and function (SIFT, PolyPhen-2, Align-GVGD) all suggest that this variant is likely to be tolerated. ClinVar contains an entry for this variant (Variation ID: 876300).

Illumina Laboratory Services, Illumina
Classification: Uncertain significance for Warburg micro syndrome 2. Last evaluated: 2018-01-13. Review status: criteria provided, single submitter. Criteria: ICSL Variant Classification Criteria 13 December 2019. Collection method: clinical testing. Allele origin: germline.

Illumina Laboratory Services, Illumina
Classification: Uncertain significance for Martsolf syndrome 1. Last evaluated: 2018-01-13. Review status: criteria provided, single submitter. Criteria: ICSL Variant Classification Criteria 13 December 2019. Collection method: clinical testing. Allele origin: germline.

NM_012414.4(RAB3GAP2):c.1244G>A (p.Arg415Lys)

Gene: RAB3GAP2 (RAB3 GTPase activating non-catalytic protein subunit 2; minus strand). Cytogenetic location: 1q41.
Variant type: single nucleotide variant.
Coding change: c.1244G>A on transcript NM_012414.4 (MANE Select); coding-DNA position 1244, G replaced by A.
Protein change: p.Arg415Lys; replaces arginine 415 with lysine.
Molecular consequence: missense variant.
Genome position (GRCh38, 1-based): chr1:220,193,266, C>T on the plus strand (G>A on the coding strand, the complement: RAB3GAP2 is on the minus strand). VCF-style: chr1-220193266-C-T. GRCh37 (hg19) VCF-style: chr1-220366608-C-T.
Other names: short protein forms R415K.
Identifiers: ClinVar variation 876300 (VCV000876300.9), dbSNP rs770787571, ClinGen allele CA1402739.
Genomic context (GRCh38, chr1:220,193,266, plus strand): 5'-ATTAATTGTTTTTCTGGATTTTTGTAAGAAGTACCTTTCCACATGCGTATTGCAATTCCT[C>T]TAGCTACATCCAATAAAATAACTCTGCCGAAATCATCTGTTACTGCTGCCAGTGTGTTAC-3'
Protein context (NP_036546.2, residues 405-425): FGRVILLDVA[Arg415Lys]GIAIRMWKGY